The following is an entry in ClinVar:

ClinVar aggregate classification (germline): Uncertain significance (1 of 4 stars; one submission).

Conditions:
Orthostatic hypotension 1 (ORTHYP1). Also called: Orthostatic hypotension 1, due to DBH deficiency; NORADRENALINE DEFICIENCY; NOREPINEPHRINE DEFICIENCY; Dopamine beta-hydroxylase deficiency. Identifiers: Orphanet 230, MedGen C4746777, MONDO:0009123, OMIM 223360.

Allele frequency attached by ClinVar (database versions not stated): gnomAD 0.00001; TOPMed 0.00001.
gnomAD v4.1: 20 of 1,612,940 alleles (0.0012%); highest among the groups gnomAD compares: Middle Eastern, 0.066%; 1 homozygote.

Submission:

Labcorp Genetics (formerly Invitae), Labcorp
Classification: Uncertain significance for Orthostatic hypotension 1. Last evaluated: 2022-09-07. Review status: criteria provided, single submitter. Criteria: Invitae Variant Classification Sherloc (09022015). Collection method: clinical testing. Allele origin: germline.
Comment: Variants that disrupt the consensus splice site are a relatively common cause of aberrant splicing (PMID: 17576681, 9536098). Algorithms developed to predict the effect of sequence changes on RNA splicing suggest that this variant is not likely to affect RNA splicing. In summary, the available evidence is currently insufficient to determine the role of this variant in disease. Therefore, it has been classified as a Variant of Uncertain Significance. ClinVar contains an entry for this variant (Variation ID: 1365637). This variant has not been reported in the literature in individuals affected with DBH-related conditions. This variant is present in population databases (no rsID available, gnomAD 0.007%). This sequence change falls in intron 4 of the DBH gene. It does not directly change the encoded amino acid sequence of the DBH protein. It affects a nucleotide within the consensus splice site.

Literature cited by the submitters: PubMed 17576681; PubMed 9536098.

NM_000787.4(DBH):c.921+5G>A

Gene: DBH (dopamine beta-hydroxylase; plus strand). Cytogenetic location: 9q34.2.
Variant type: single nucleotide variant.
Coding change: c.921+5G>A on transcript NM_000787.4 (MANE Select); 5 bases into the intron after coding-DNA position 921, G replaced by A.
Molecular consequence: intron variant.
Genome position (GRCh38, 1-based): chr9:133,643,594, G>A. VCF-style: chr9-133643594-G-A. GRCh37 (hg19) VCF-style: chr9-136508716-G-A.
Identifiers: ClinVar variation 1365637 (VCV001365637.4), dbSNP rs780442080, ClinGen allele CA591362399.
Genomic context (GRCh38, chr9:133,643,594, plus strand): 5'-CCGACCGCCTCAACTACTGCCGCCACGTGCTGGCCGCCTGGGCCCTGGGTGCCAAGGTGC[G>A]TGCCCTGCGACCCCAGCATGGTGTCTCCTGCCTGGGCCCCTGGCATCCCCACACCTCTGT-3'